The following is an entry in ClinVar:

NM_004364.5(CEBPA):c.821C>T (p.Ala274Val)

Gene: CEBPA (CCAAT enhancer binding protein alpha; minus strand). Cytogenetic location: 19q13.11.
Variant type: single nucleotide variant.
Coding change: c.821C>T on transcript NM_004364.5 (MANE Select); coding-DNA position 821, C replaced by T.
Protein change: p.Ala274Val; replaces alanine 274 with valine.
Molecular consequence: missense variant.
Genome position (GRCh38, 1-based): chr19:33,301,594, G>A on the plus strand (C>T on the coding strand, the complement: CEBPA is on the minus strand). VCF-style: chr19-33301594-G-A. GRCh37 (hg19) VCF-style: chr19-33792500-G-A.
Other names: c.821C>T (NM_004364.3); c.464C>T, p.Ala155Val (NM_001285829.2); c.926C>T, p.Ala309Val (NM_001287424.2); c.779C>T, p.Ala260Val (NM_001287435.2); short protein forms A274V, A155V, A260V, A309V.
Identifiers: ClinVar variation 582282 (VCV000582282.10), dbSNP rs767673311, ClinGen allele CA9363686.

ClinVar aggregate classification (germline): Uncertain significance. Review status: criteria provided, multiple submitters, no conflicts (2 of 4 stars). 2 submissions from 2 submitters: Uncertain significance (2). Last evaluated 2024-12-02.

Conditions:
Inborn genetic diseases. Identifiers: MedGen C0950123, MeSH D030342.
Acute myeloid leukemia (AML). Also called: Leukemia, acute myeloid, somatic; Leukemia, acute myelogenous, somatic; Acute myeloid leukemia, adult; AML adult; Acute non-lymphocytic leukemia; Acute granulocytic leukemia. Identifiers: Orphanet 519, MedGen C0023467, MeSH D015470, MONDO:0018874, OMIM 601626, HP:0004808. Disease mechanism: Constitutively activated FLT3.

Allele frequency attached by ClinVar (database versions not stated): gnomAD exomes below 0.00001; TOPMed below 0.00001; ExAC 0.00001.

Submissions (2):

Ambry Genetics
Classification: Uncertain significance for Inborn genetic diseases. Last evaluated: 2024-12-02. Review status: criteria provided, single submitter. Criteria: Ambry Variant Classification Scheme 2023. Collection method: clinical testing. Allele origin: germline.
Comment: The p.A274V variant (also known as c.821C>T), located in coding exon 1 of the CEBPA gene, results from a C to T substitution at nucleotide position 821. The alanine at codon 274 is replaced by valine, an amino acid with similar properties. This amino acid position is conserved. In addition, this alteration is predicted to be tolerated by in silico analysis. Based on the available evidence, the clinical significance of this variant remains unclear.

Labcorp Genetics (formerly Invitae), Labcorp
Classification: Uncertain significance for Acute myeloid leukemia. Last evaluated: 2023-09-05. Review status: criteria provided, single submitter. Criteria: Invitae Variant Classification Sherloc (09022015). Collection method: clinical testing. Allele origin: germline.
Comment: In summary, the available evidence is currently insufficient to determine the role of this variant in disease. Therefore, it has been classified as a Variant of Uncertain Significance. This sequence change replaces alanine, which is neutral and non-polar, with valine, which is neutral and non-polar, at codon 274 of the CEBPA protein (p.Ala274Val). This variant is present in population databases (rs767673311, gnomAD 0.001%). This variant has not been reported in the literature in individuals affected with CEBPA-related conditions. ClinVar contains an entry for this variant (Variation ID: 582282). Advanced modeling of protein sequence and biophysical properties (such as structural, functional, and spatial information, amino acid conservation, physicochemical variation, residue mobility, and thermodynamic stability) performed at Invitae indicates that this missense variant is not expected to disrupt CEBPA protein function.